The following is an entry in ClinVar:

ClinVar aggregate classification (germline): Likely benign (0 of 4 stars; one submission).

Conditions:
CPLANE1-related disorder. Also called: CPLANE1-related condition.

Submission:

PreventionGenetics, part of Exact Sciences
Classification: Likely benign for CPLANE1-related condition. Last evaluated: 2019-05-22. Review status: no assertion criteria provided. Collection method: clinical testing. Allele origin: germline.
Comment: This variant is classified as likely benign based on ACMG/AMP sequence variant interpretation guidelines (Richards et al. 2015 PMID: 25741868, with internal and published modifications).

NM_001384732.1(CPLANE1):c.7722G>A (p.Leu2574=)

Gene: CPLANE1 (ciliogenesis and planar polarity effector complex subunit 1; minus strand). Cytogenetic location: 5p13.2.
Variant type: single nucleotide variant.
Coding change: c.7722G>A on transcript NM_001384732.1 (MANE Select); coding-DNA position 7722, G replaced by A.
Protein change: p.Leu2574=; no amino-acid change (leucine 2574 retained).
Molecular consequence: synonymous variant.
Genome position (GRCh38, 1-based): chr5:37,158,314, C>T on the plus strand (G>A on the coding strand, the complement: CPLANE1 is on the minus strand). VCF-style: chr5-37158314-C-T. GRCh37 (hg19) VCF-style: chr5-37158416-C-T.
Other names: c.7722G>A, p.Leu2574= (NM_023073.4).
Identifiers: ClinVar variation 3039324 (VCV003039324.2), dbSNP rs2547380403, ClinGen allele CA443919639.